The following is an entry in ClinVar:

ClinVar aggregate classification (germline): Uncertain significance (1 of 4 stars; one submission).

Submission:

Labcorp Genetics (formerly Invitae), Labcorp
Classification: Uncertain significance. Last evaluated: 2022-02-24. Review status: criteria provided, single submitter. Criteria: Invitae Variant Classification Sherloc (09022015). Collection method: clinical testing. Allele origin: germline.
Comment: This variant, c.406_417del, results in the deletion of 4 amino acid(s) of the CERKL protein (p.Ser136_Asp139del), but otherwise preserves the integrity of the reading frame. This variant is not present in population databases (gnomAD no frequency). This variant has not been reported in the literature in individuals affected with CERKL-related conditions. Experimental studies and prediction algorithms are not available or were not evaluated, and the functional significance of this variant is currently unknown. In summary, the available evidence is currently insufficient to determine the role of this variant in disease. Therefore, it has been classified as a Variant of Uncertain Significance.

NM_201548.5(CERKL):c.406_417del (p.Ser136_Asp139del)

Gene: CERKL (CERK like autophagy regulator; minus strand). Cytogenetic location: 2q31.3.
Variant type: Deletion.
Coding change: c.406_417del on transcript NM_201548.5 (MANE Select); coding-DNA positions 406 to 417, 12 bases deleted (TCTACACTTGAT).
Protein change: p.Ser136_Asp139del.
Molecular consequence: inframe deletion. On other transcripts: inframe indel (2), non-coding transcript variant (2).
Genome position (GRCh38, 1-based): chr2:181,603,901-181,603,912, ATCAAGTGTAGA deleted on the plus strand (TCTACACTTGAT on the coding strand, the reverse complement: CERKL is on the minus strand); deleting any 12 consecutive bases within chr2:181,603,901-181,603,914 gives the same sequence; the c. name uses the placement nearest the transcript's 3' end. VCF-style (leftmost placement, unchanged base first): chr2-181603900-GATCAAGTGTAGA-G. GRCh37 (hg19) VCF-style: chr2-182468627-GATCAAGTGTAGA-G.
Other names: c.404_415delATTCTACACTTG, p.Ser136_Asp139del (NM_001030315.1, NM_001030314.1); c.406_417del, p.Ser136_Asp139del (NM_001160277.2, NM_001030311.3, NM_001030312.3 and 1 more transcripts).
Identifiers: ClinVar variation 2103053 (VCV002103053.4), dbSNP rs2468432998, ClinGen allele CA2580065225.